The following is an entry in ClinVar:

ClinVar aggregate classification (germline): Likely pathogenic. Review status: reviewed by expert panel (3 of 4 stars). 2 submissions from 2 submitters: Likely pathogenic (1). 1 of the submissions does not count toward it. Last evaluated 2025-05-20.

Conditions:
Retinitis pigmentosa 3. Also called: CHOROIDORETINAL DEGENERATION WITH RETINAL REFLEX IN HETEROZYGOUS WOMEN. Identifiers: Orphanet 791, MedGen C1845667, MONDO:0010227, OMIM 300029.
RPGR-related retinopathy. Also called: RPGR retinopathy. Identifiers: MedGen CN305589, MONDO:0100437.

Submissions (2):

ClinGen X-linked Inherited Retinal Disease Variant Curation Expert Panel, ClinGen
Classification: Likely pathogenic for RPGR-related retinopathy. Last evaluated: 2025-05-20. Review status: reviewed by expert panel. Criteria: ClinGen X LinkedIRD ACMG Specifications RPGR V1.0.0. Collection method: curation. Allele origin: germline. Inheritance: X-linked inheritance.
Comment: NM_001034853.2(RPGR):c.2819_2838dup (p.Glu947fs) is a frameshift variant that introduces a premature stop codon into exon 15 of 15 before amino acid 1132, which is predicted not to trigger nonsense-mediated decay but rather to C-terminally truncate the protein product (PVS1).This variant is absent from hemizygous individuals in gnomAD v4.1.0 (PM2_supporting). At least one proband harboring this variant exhibits a phenotype including diagnosis of retinopathy with childhood-onset (1 pts) and genotyping based on a 276-gene next-generation sequencing panel that did not identify an alternative cause of disease (2 pts), which together are specific for RPGR-related recessive retinopathy (4 points, PMID: 33546218). However, the proband's specific electroretinogram responses were not reported, so the PP4 code was not met. In summary, this variant is classified as likely pathogenic for RPGR-related retinopathy based on the ClinGen X-linked Inherited Retinal Disease Expert Panel Specifications to the ACMG/AMP Variant Interpretation Guidelines for RPGR Version 1.0.0; PVS1 and PM2_supporting. (date of approval 05/16/2025).

Institute of Medical Molecular Genetics, University of Zurich
Classification: Likely pathogenic for Retinitis pigmentosa 3. Last evaluated: 2021-01-30. Review status: criteria provided, single submitter. Criteria: ACMG Guidelines, 2015. Collection method: clinical testing. Allele origin: unknown. Affected: yes. Not counted in ClinVar's aggregate classification.

NM_001034853.2(RPGR):c.2819_2838dup (p.Glu947fs)

Gene: RPGR (retinitis pigmentosa GTPase regulator; minus strand). Cytogenetic location: Xp11.4.
Variant type: Duplication.
Coding change: c.2819_2838dup on transcript NM_001034853.2 (MANE Select); coding-DNA positions 2819 to 2838, 20 bases duplicated (AAGGGGAGGATGGAGAAGGG).
Protein change: p.Glu947fs; shifts the reading frame from glutamic acid 947.
Molecular consequence: frameshift variant. On other transcripts: intron variant (8).
Genome position (GRCh38, 1-based): chrX:38,286,161-38,286,180, CCCTTCTCCATCCTCCCCTT duplicated on the plus strand (AAGGGGAGGATGGAGAAGGG on the coding strand, the reverse complement: RPGR is on the minus strand); duplicating any 20 consecutive bases within chrX:38,286,161-38,286,183 gives the same sequence; the c. name uses the placement nearest the transcript's 3' end. VCF-style (leftmost placement, unchanged base first): chrX-38286160-C-CCCCTTCTCCATCCTCCCCTT. GRCh37 (hg19) VCF-style: chrX-38145413-C-CCCCTTCTCCATCCTCCCCTT.
Other names: NM_001034853.2(RPGR):c.2819_2838dup; p.Glu947fs; c.1569+4779_1569+4798dup (NM_001367249.1, NM_001367250.1); c.1902+914_1902+933dup (NM_001367245.1); c.1386+4779_1386+4798dup (NM_001367251.1); c.1719+914_1719+933dup (NM_001367246.1); c.1572+4779_1572+4798dup (NM_001367247.1); c.1905+914_1905+933dup (NM_000328.3); and 1 more; short protein forms E947fs.
Identifiers: ClinVar variation 1048123 (VCV001048123.1), dbSNP rs2067149319, ClinGen allele CA2424844458.